The following is an entry in ClinVar:

ClinVar aggregate classification (germline): Benign. Review status: criteria provided, single submitter (1 of 4 stars). 2 submissions from 2 submitters: Benign (1). 1 of the submissions does not count toward it. Last evaluated 2019-12-31.

Conditions:
DNHD1-related disorder. Also called: DNHD1-related condition.

Allele frequency attached by ClinVar (database versions not stated): TOPMed 0.00098; ExAC 0.00106; ESP Exome Variant Server 0.00106; gnomAD 0.00115 and 0.00121; gnomAD exomes 0.00122.
gnomAD v4.1: 2,137 of 1,613,834 alleles (0.13%); highest among the groups gnomAD compares: Non-Finnish European, 0.14%; 1 homozygote.

Submissions (2):

Labcorp Genetics (formerly Invitae), Labcorp
Classification: Benign. Last evaluated: 2019-12-31. Review status: criteria provided, single submitter. Criteria: Invitae Variant Classification Sherloc (09022015). Collection method: clinical testing. Allele origin: germline.

PreventionGenetics, part of Exact Sciences
Classification: Benign for DNHD1-related condition. Last evaluated: 2019-10-28. Review status: no assertion criteria provided. Collection method: clinical testing. Allele origin: germline. Not counted in ClinVar's aggregate classification.
Comment: This variant is classified as benign based on ACMG/AMP sequence variant interpretation guidelines (Richards et al. 2015 PMID: 25741868, with internal and published modifications).

NM_144666.3(DNHD1):c.12931C>T (p.Arg4311Cys)

Gene: DNHD1 (dynein heavy chain domain 1; plus strand). Cytogenetic location: 11p15.4.
Variant type: single nucleotide variant.
Coding change: c.12931C>T on transcript NM_144666.3 (MANE Select); coding-DNA position 12931, C replaced by T.
Protein change: p.Arg4311Cys; replaces arginine 4311 with cysteine.
Molecular consequence: missense variant.
Genome position (GRCh38, 1-based): chr11:6,570,076, C>T. VCF-style: chr11-6570076-C-T. GRCh37 (hg19) VCF-style: chr11-6591306-C-T.
Other names: short protein forms R4311C.
Identifiers: ClinVar variation 737545 (VCV000737545.6), dbSNP rs200088426, ClinGen allele CA5856959.